The following is an entry in ClinVar:

ClinVar aggregate classification (germline): Conflicting classifications of pathogenicity. Review status: criteria provided, conflicting classifications (1 of 4 stars). 2 submissions from 2 submitters: Uncertain significance (1); Likely benign (1). Last evaluated 2025-11-19.

Conditions:
Familial sleep-related hypermotor epilepsy. Also called: Autosomal Dominant Sleep-Related Hypermotor (Hyperkinetic) Epilepsy. Identifiers: Orphanet 98784, MedGen C3696898, MONDO:0000030.
Inborn genetic diseases. Identifiers: MedGen C0950123, MeSH D030342.

Allele frequency attached by ClinVar (database versions not stated): gnomAD exomes 0.00001; gnomAD 0.00003; TOPMed 0.00002.

Submissions (2):

Ambry Genetics
Classification: Likely benign for Inborn genetic diseases. Last evaluated: 2025-11-19. Review status: criteria provided, single submitter. Criteria: Ambry Variant Classification Scheme 2023. Collection method: clinical testing. Allele origin: germline.

Labcorp Genetics (formerly Invitae), Labcorp
Classification: Uncertain significance. Last evaluated: 2025-07-02. Review status: criteria provided, single submitter. Criteria: Invitae Variant Classification Sherloc (09022015). Collection method: clinical testing. Allele origin: germline.
Comment: This sequence change replaces valine, which is neutral and non-polar, with isoleucine, which is neutral and non-polar, at codon 482 of the CHRNA4 protein (p.Val482Ile). This variant is present in population databases (rs201603256, gnomAD 0.02%). This variant has not been reported in the literature in individuals affected with CHRNA4-related conditions. ClinVar contains an entry for this variant (Variation ID: 2168146). Invitae Evidence Modeling of protein sequence and biophysical properties (such as structural, functional, and spatial information, amino acid conservation, physicochemical variation, residue mobility, and thermodynamic stability) indicates that this missense variant is not expected to disrupt CHRNA4 protein function with a negative predictive value of 80%. In summary, the available evidence is currently insufficient to determine the role of this variant in disease. Therefore, it has been classified as a Variant of Uncertain Significance.

NM_000744.7(CHRNA4):c.1444G>A (p.Val482Ile)

Gene: CHRNA4 (cholinergic receptor nicotinic alpha 4 subunit; minus strand). Cytogenetic location: 20q13.33.
Variant type: single nucleotide variant.
Coding change: c.1444G>A on transcript NM_000744.7 (MANE Select); coding-DNA position 1444, G replaced by A.
Protein change: p.Val482Ile; replaces valine 482 with isoleucine.
Molecular consequence: missense variant. On other transcripts: non-coding transcript variant (1).
Genome position (GRCh38, 1-based): chr20:63,349,967, C>T on the plus strand (G>A on the coding strand, the complement: CHRNA4 is on the minus strand). VCF-style: chr20-63349967-C-T. GRCh37 (hg19) VCF-style: chr20-61981319-C-T.
Other names: c.916G>A, p.Val306Ile (NM_001256573.2); c.1444G>A (NM_000744.5); short protein forms V482I, V306I.
Identifiers: ClinVar variation 2168146 (VCV002168146.5), dbSNP rs201603256, ClinGen allele CA9957595.